The following is an entry in ClinVar:

ClinVar aggregate classification (germline): Uncertain significance. Review status: criteria provided, multiple submitters, no conflicts (2 of 4 stars). 2 submissions from 2 submitters: Uncertain significance (2). Last evaluated 2022-08-28.

Conditions:
Familial adenomatous polyposis 1 (FAP1). Also called: POLYPOSIS, ADENOMATOUS INTESTINAL; FAMILIAL ADENOMATOUS POLYPOSIS 1, ATTENUATED. Identifiers: MedGen C2713442, MONDO:0021056, OMIM 175100. Disease mechanism: loss of function.
Hereditary cancer-predisposing syndrome. Also called: Neoplastic Syndromes, Hereditary; Tumor predisposition; Hereditary neoplastic syndrome; Hereditary Cancer Syndrome. Identifiers: Orphanet 140162, MedGen C0027672, MeSH D009386, MONDO:0015356.

Allele frequency attached by ClinVar (database versions not stated): gnomAD exomes below 0.00001; ExAC 0.00001.

Submissions (2):

Labcorp Genetics (formerly Invitae), Labcorp
Classification: Uncertain significance for Familial adenomatous polyposis 1. Last evaluated: 2022-08-28. Review status: criteria provided, single submitter. Criteria: Invitae Variant Classification Sherloc (09022015). Collection method: clinical testing. Allele origin: germline.
Comment: This sequence change replaces threonine, which is neutral and polar, with alanine, which is neutral and non-polar, at codon 2626 of the APC protein (p.Thr2626Ala). This variant is present in population databases (rs763954916, gnomAD 0.006%). This variant has not been reported in the literature in individuals affected with APC-related conditions. ClinVar contains an entry for this variant (Variation ID: 827302). Algorithms developed to predict the effect of missense changes on protein structure and function output the following: SIFT: "Tolerated"; PolyPhen-2: "Benign"; Align-GVGD: "Class C0". The alanine amino acid residue is found in multiple mammalian species, which suggests that this missense change does not adversely affect protein function. In summary, the available evidence is currently insufficient to determine the role of this variant in disease. Therefore, it has been classified as a Variant of Uncertain Significance.

Ambry Genetics
Classification: Uncertain significance for Hereditary cancer-predisposing syndrome. Last evaluated: 2018-10-25. Review status: criteria provided, single submitter. Criteria: Ambry Variant Classification Scheme 2023. Collection method: clinical testing. Allele origin: germline.
Comment: The p.T2626A variant (also known as c.7876A>G), located in coding exon 15 of the APC gene, results from an A to G substitution at nucleotide position 7876. The threonine at codon 2626 is replaced by alanine, an amino acid with similar properties. This amino acid position is poorly conserved in available vertebrate species. In addition, in silico predictors for this gene do not accurately predict pathogenicity. Since supporting evidence is limited at this time, the clinical significance of this alteration remains unclear.Since supporting evidence is limited at this time, the clinical significance of this alteration remains unclear.

NM_000038.6(APC):c.7876A>G (p.Thr2626Ala)

Gene: APC (APC regulator of Wnt signaling pathway; plus strand). Cytogenetic location: 5q22.2.
Variant type: single nucleotide variant.
Coding change: c.7876A>G on transcript NM_000038.6 (MANE Select); coding-DNA position 7876, A replaced by G.
Protein change: p.Thr2626Ala; replaces threonine 2626 with alanine.
Molecular consequence: missense variant.
Genome position (GRCh38, 1-based): chr5:112,843,470, A>G. VCF-style: chr5-112843470-A-G. GRCh37 (hg19) VCF-style: chr5-112179167-A-G.
Other names: c.7876A>G, p.Thr2626Ala (NM_001127510.3, NM_001354895.2); c.7822A>G, p.Thr2608Ala (NM_001127511.3); c.7930A>G, p.Thr2644Ala (NM_001354896.2); c.7906A>G, p.Thr2636Ala (NM_001354897.2); c.7801A>G, p.Thr2601Ala (NM_001354898.2); c.7792A>G, p.Thr2598Ala (NM_001354899.2); c.7753A>G, p.Thr2585Ala (NM_001354900.2); c.7699A>G, p.Thr2567Ala (NM_001354901.2); and 5 more; short protein forms T2466A, T2567A, T2585A, T2500A, T2525A, T2608A, T2626A, T2636A.
Identifiers: ClinVar variation 827302 (VCV000827302.10), dbSNP rs763954916, ClinGen allele CA049327.
Genomic context (GRCh38, chr5:112,843,470, plus strand): 5'-GTATCCGCAAAAGGAACATGGAGAAAAATAAAAGAAAATGAATTTTCTCCCACAAATAGT[A>G]CTTCTCAGACCGTTTCCTCAGGTGCTACAAATGGTGCTGAATCAAAGACTCTAATTTATC-3'
Protein context (NP_000029.2, residues 2616-2636): KENEFSPTNS[Thr2626Ala]SQTVSSGATN